The following is an entry in ClinVar:

NM_007272.3(CTRC):c.535C>T (p.Pro179Ser)

Gene: CTRC (chymotrypsin C; plus strand). Cytogenetic location: 1p36.21.
Variant type: single nucleotide variant.
Coding change: c.535C>T on transcript NM_007272.3 (MANE Select); coding-DNA position 535, C replaced by T.
Protein change: p.Pro179Ser; replaces proline 179 with serine.
Molecular consequence: missense variant.
Genome position (GRCh38, 1-based): chr1:15,444,647, C>T. VCF-style: chr1-15444647-C-T. GRCh37 (hg19) VCF-style: chr1-15771142-C-T.
Other names: short protein forms P179S.
Identifiers: ClinVar variation 3837290 (VCV003837290.1).

ClinVar aggregate classification (germline): Uncertain significance (1 of 4 stars; one submission).

Conditions:
Hereditary pancreatitis (PCTT). Also called: PRSS1-Related Hereditary Pancreatitis; Hereditary chronic pancreatitis. Identifiers: Orphanet 676, MedGen C0238339, MONDO:0008185, OMIM 167800.

Submission:

Ambry Genetics
Classification: Uncertain significance for Hereditary pancreatitis. Last evaluated: 2025-02-06. Review status: criteria provided, single submitter. Criteria: Ambry Variant Classification Scheme 2023. Collection method: clinical testing. Allele origin: germline.
Comment: The p.P179S variant (also known as c.535C>T), located in coding exon 6 of the CTRC gene, results from a C to T substitution at nucleotide position 535. The proline at codon 179 is replaced by serine, an amino acid with similar properties. This amino acid position is conserved. In addition, the in silico prediction for this alteration is inconclusive. Based on the available evidence, the clinical significance of this variant remains unclear.